The following is an entry in ClinVar:

ClinVar aggregate classification (germline): Uncertain significance (1 of 4 stars; one submission).

Allele frequency attached by ClinVar (database versions not stated): gnomAD 0.00001; gnomAD exomes 0.00001; ExAC 0.00002.
gnomAD v4.1: 8 of 1,613,512 alleles (0.0005%); highest among the groups gnomAD compares: East Asian, 0.0045%; no homozygotes.

Submission:

Labcorp Genetics (formerly Invitae), Labcorp
Classification: Uncertain significance. Last evaluated: 2021-10-12. Review status: criteria provided, single submitter. Criteria: Invitae Variant Classification Sherloc (09022015). Collection method: clinical testing. Allele origin: germline.
Comment: In summary, the available evidence is currently insufficient to determine the role of this variant in disease. Therefore, it has been classified as a Variant of Uncertain Significance. Algorithms developed to predict the effect of missense changes on protein structure and function are either unavailable or do not agree on the potential impact of this missense change (SIFT: "Deleterious"; PolyPhen-2: "Possibly Damaging"; Align-GVGD: "Class C0"). This variant has not been reported in the literature in individuals affected with C7-related conditions. The frequency data for this variant in the population databases is considered unreliable, as metrics indicate poor data quality at this position in the ExAC database. This sequence change replaces glycine with arginine at codon 300 of the C7 protein (p.Gly300Arg). The glycine residue is highly conserved and there is a moderate physicochemical difference between glycine and arginine.

NM_000587.4(C7):c.898G>A (p.Gly300Arg)

Gene: C7 (complement C7; plus strand). Cytogenetic location: 5p13.1.
Variant type: single nucleotide variant.
Coding change: c.898G>A on transcript NM_000587.4 (MANE Select); coding-DNA position 898, G replaced by A.
Protein change: p.Gly300Arg; replaces glycine 300 with arginine.
Molecular consequence: missense variant.
Genome position (GRCh38, 1-based): chr5:40,947,761, G>A. VCF-style: chr5-40947761-G-A. GRCh37 (hg19) VCF-style: chr5-40947863-G-A.
Other names: short protein forms G300R.
Identifiers: ClinVar variation 1501320 (VCV001501320.6), dbSNP rs780751557, ClinGen allele CA3249788.